The following is an entry in ClinVar:

ClinVar aggregate classification (germline): Uncertain significance. Review status: criteria provided, multiple submitters, no conflicts (2 of 4 stars). 2 submissions from 2 submitters: Uncertain significance (2). Last evaluated 2024-06-19.

Submissions (2):

Women's Health and Genetics/Laboratory Corporation of America, LabCorp
Classification: Uncertain significance. Last evaluated: 2024-06-19. Review status: criteria provided, single submitter. Criteria: LabCorp Variant Classification Summary - May 2015. Collection method: clinical testing. Allele origin: germline.
Comment: Variant summary: SEMA3E c.1511A>T (p.Tyr504Phe) results in a conservative amino acid change located in the Sema domain (IPR001627) of the encoded protein sequence. Three of four in-silico tools predict a benign effect of the variant on protein function. The variant was absent in 250820 control chromosomes (gnomAD). The available data on variant occurrences in the general population are insufficient to allow any conclusion about variant significance. To our knowledge, no occurrence of c.1511A>T in individuals affected with SEMA3E-Related Disorders and no experimental evidence demonstrating its impact on protein function have been reported. ClinVar contains an entry for this variant (Variation ID: 1318664). Based on the evidence outlined above, the variant was classified as uncertain significance.

GeneDx
Classification: Uncertain significance. Last evaluated: 2019-07-17. Review status: criteria provided, single submitter. Criteria: GeneDx Variant Classification Process June 2021. Collection method: clinical testing. Allele origin: germline. Affected: yes.
Comment: Not observed in large population cohorts (Lek et al., 2016); In silico analysis, which includes protein predictors and evolutionary conservation, supports a deleterious effect; Has not been previously published as pathogenic or benign to our knowledge

NM_012431.3(SEMA3E):c.1511A>T (p.Tyr504Phe)

Gene: SEMA3E (semaphorin 3E; minus strand). Cytogenetic location: 7q21.11.
Variant type: single nucleotide variant.
Coding change: c.1511A>T on transcript NM_012431.3 (MANE Select); coding-DNA position 1511, A replaced by T.
Protein change: p.Tyr504Phe; replaces tyrosine 504 with phenylalanine.
Molecular consequence: missense variant.
Genome position (GRCh38, 1-based): chr7:83,392,711, T>A on the plus strand (A>T on the coding strand, the complement: SEMA3E is on the minus strand). VCF-style: chr7-83392711-T-A. GRCh37 (hg19) VCF-style: chr7-83022027-T-A.
Other names: c.1331A>T, p.Tyr444Phe (NM_001178129.2); short protein forms Y444F, Y504F.
Identifiers: ClinVar variation 1318664 (VCV001318664.3), dbSNP rs779888216, ClinGen allele CA367923685.
Genomic context (GRCh38, chr7:83,392,711, plus strand): 5'-CTTCCATACATGTCACAGTGATGGAATCTGACTTGAGCCACAGCAGAAGCAGATCCAATA[T>A]ACAGCTGTTGCTACAGAAATCAGAAAGAGGTCACTAGCAGAAATGGACAAAACTTTCACT-3'
Protein context (NP_036563.1, residues 494-514): MEISSKRQQL[Tyr504Phe]IGSASAVAQV